The following is an entry in ClinVar:

ClinVar aggregate classification (germline): Uncertain significance (1 of 4 stars; one submission).

Conditions:
Nephrolithiasis/nephrocalcinosis. Identifiers: MedGen CN580796.

Submission:

Ambry Genetics
Classification: Uncertain significance for Nephrolithiasis/nephrocalcinosis. Last evaluated: 2023-11-10. Review status: criteria provided, single submitter. Criteria: Ambry Variant Classification Scheme 2023. Collection method: clinical testing. Allele origin: germline.
Comment: The p.R96S variant (also known as c.288G>T), located in coding exon 2 of the CASR gene, results from a G to T substitution at nucleotide position 288. The arginine at codon 96 is replaced by serine, an amino acid with dissimilar properties. This amino acid position is conserved. In addition, the in silico prediction for this alteration is inconclusive. Since supporting evidence is limited at this time, the clinical significance of this alteration remains unclear.

NM_000388.4(CASR):c.288G>T (p.Arg96Ser)

Gene: CASR (calcium sensing receptor; plus strand). Cytogenetic location: 3q21.1.
Variant type: single nucleotide variant.
Coding change: c.288G>T on transcript NM_000388.4 (MANE Select); coding-DNA position 288, G replaced by T.
Protein change: p.Arg96Ser; replaces arginine 96 with serine.
Molecular consequence: missense variant.
Genome position (GRCh38, 1-based): chr3:122,257,183, G>T. VCF-style: chr3-122257183-G-T. GRCh37 (hg19) VCF-style: chr3-121976030-G-T.
Other names: c.288G>T, p.Arg96Ser (NM_001178065.2); short protein forms R96S.
Identifiers: ClinVar variation 3231561 (VCV003231561.1), dbSNP rs375151193, ClinGen allele CA354362568.
Genomic context (GRCh38, chr3:122,257,183, plus strand): 5'-TGCCATAGAGGAGATAAACAGCAGCCCAGCCCTTCTTCCCAACTTGACGCTGGGATACAG[G>T]ATATTTGACACTTGCAACACCGTTTCTAAGGCCTTGGAAGCCACCCTGAGTTTTGTTGCT-3'
Protein context (NP_000379.3, residues 86-106): ALLPNLTLGY[Arg96Ser]IFDTCNTVSK